The following is an entry in ClinVar:

NM_000245.4(MET):c.252C>T (p.Tyr84=)

Gene: MET (MET proto-oncogene, receptor tyrosine kinase; plus strand). Cytogenetic location: 7q31.2.
Variant type: single nucleotide variant.
Coding change: c.252C>T on transcript NM_000245.4 (MANE Select); coding-DNA position 252, C replaced by T.
Protein change: p.Tyr84=; no amino-acid change (tyrosine 84 retained).
Molecular consequence: synonymous variant. On other transcripts: intron variant (1).
Genome position (GRCh38, 1-based): chr7:116,699,336, C>T. VCF-style: chr7-116699336-C-T. GRCh37 (hg19) VCF-style: chr7-116339390-C-T.
Other names: c.252C>T, p.Tyr84= (NM_001127500.3, NM_001324401.3); c.-91+26759C>T (NM_001324402.2).
Identifiers: ClinVar variation 799234 (VCV000799234.10), dbSNP rs1584876265, ClinGen allele CA457448014.

ClinVar aggregate classification (germline): Benign/Likely benign. Review status: criteria provided, multiple submitters, no conflicts (2 of 4 stars). 3 submissions from 3 submitters: Benign (1); Likely benign (2). Last evaluated 2024-11-06.

Conditions:
Renal cell carcinoma. Identifiers: Orphanet 217071, MedGen C0007134, MeSH D002292, MONDO:0005086, HP:0005584.
Papillary renal cell carcinoma type 1 (RCCP1). Also called: Renal adenocarcinoma; Renal cell carcinoma 1; Renal cell carcinoma, somatic; RENAL CELL CARCINOMA, PAPILLARY, 1, SOMATIC. Identifiers: Orphanet 47044, MedGen C1336839, OMIM 605074, HP:0011797.

Submissions (3):

Myriad Genetics, Inc.
Classification: Benign for Papillary renal cell carcinoma type 1. Last evaluated: 2024-11-06. Review status: criteria provided, single submitter. Criteria: Myriad Autosomal Dominant, Autosomal Recessive and X-Linked Classification Criteria (2023). Collection method: clinical testing. Allele origin: unknown.
Comment: This variant is considered benign. This variant is a silent/synonymous amino acid change and it is not expected to impact splicing.

Labcorp Genetics (formerly Invitae), Labcorp
Classification: Likely benign for Renal cell carcinoma. Last evaluated: 2024-04-05. Review status: criteria provided, single submitter. Criteria: Invitae Variant Classification Sherloc (09022015). Collection method: clinical testing. Allele origin: germline.

Mendelics
Classification: Likely benign for Papillary renal cell carcinoma type 1. Last evaluated: 2019-05-28. Review status: criteria provided, single submitter. Criteria: Mendelics Assertion Criteria 2017. Collection method: clinical testing. Allele origin: unknown.